The following is an entry in ClinVar:

NM_001002755.4(NFU1):c.156T>C (p.Phe52=)

Gene: NFU1 (NFU1 iron-sulfur cluster scaffold; minus strand). Cytogenetic location: 2p13.3.
Variant type: single nucleotide variant.
Coding change: c.156T>C on transcript NM_001002755.4 (MANE Select); coding-DNA position 156, T replaced by C.
Protein change: p.Phe52=; no amino-acid change (phenylalanine 52 retained).
Molecular consequence: synonymous variant. On other transcripts: 5 prime UTR variant (1), non-coding transcript variant (2).
Genome position (GRCh38, 1-based): chr2:69,431,912, A>G on the plus strand (T>C on the coding strand, the complement: NFU1 is on the minus strand). VCF-style: chr2-69431912-A-G. GRCh37 (hg19) VCF-style: chr2-69659044-A-G.
Other names: c.-132T>C (NM_001002756.2); c.84T>C, p.Phe28= (NM_001374284.1, NM_015700.4).
Identifiers: ClinVar variation 4823531 (VCV004823531.4).

ClinVar aggregate classification (germline): Likely benign (1 of 4 stars; one submission).

Submission:

CeGaT Center for Human Genetics Tuebingen
Classification: Likely benign. Last evaluated: 2026-03-01. Review status: criteria provided, single submitter. Criteria: CeGaT Center For Human Genetics Tuebingen Variant Classification Criteria Version 2. Collection method: clinical testing. Allele origin: germline. Affected: yes. Observed: 1 variant allele.
Comment: NFU1: PM2:Supporting, BP4, BP7